The following is an entry in ClinVar:

ClinVar aggregate classification (germline): Uncertain significance. Review status: criteria provided, multiple submitters, no conflicts (2 of 4 stars). 3 submissions from 3 submitters: Uncertain significance (3). Last evaluated 2026-03-24.

Conditions:
ABCG8-related disorder. Also called: ABCG8-related condition.

Allele frequency attached by ClinVar (database versions not stated): gnomAD 0.00011; 1000 Genomes Project 30x 0.00016; 1000 Genomes Project 0.00020.
gnomAD v4.1: 27 of 1,614,102 alleles (0.0017%); highest among the groups gnomAD compares: African/African-American, 0.036%; no homozygotes.

Submissions (3):

GeneDx
Classification: Uncertain significance. Last evaluated: 2026-03-24. Review status: criteria provided, single submitter. Criteria: GeneDx Variant Classification Process June 2021. Collection method: clinical testing. Allele origin: germline.
Comment: In silico analysis suggests that this missense variant does not alter protein structure/function; Has not been previously published as pathogenic or benign to our knowledge

PreventionGenetics, part of Exact Sciences
Classification: Uncertain significance for ABCG8-related condition. Last evaluated: 2025-06-19. Review status: criteria provided, single submitter. Criteria: ACMG Guidelines, 2015. Collection method: clinical testing. Allele origin: germline.
Comment: The ABCG8 c.1114A>T variant is predicted to result in the amino acid substitution p.Thr372Ser. To our knowledge, this variant has not been reported in the literature. This variant is reported in 0.040% of alleles in individuals of African descent in gnomAD. At this time, the clinical significance of this variant is uncertain due to the absence of conclusive functional and genetic evidence.

Women's Health and Genetics/Laboratory Corporation of America, LabCorp
Classification: Uncertain significance. Last evaluated: 2023-08-07. Review status: criteria provided, single submitter. Criteria: LabCorp Variant Classification Summary - May 2015. Collection method: clinical testing. Allele origin: germline.

NM_022437.3(ABCG8):c.1114A>T (p.Thr372Ser)

Gene: ABCG8 (ATP binding cassette subfamily G member 8; plus strand). Cytogenetic location: 2p21.
Variant type: single nucleotide variant.
Coding change: c.1114A>T on transcript NM_022437.3 (MANE Select); coding-DNA position 1114, A replaced by T.
Protein change: p.Thr372Ser; replaces threonine 372 with serine.
Molecular consequence: missense variant.
Genome position (GRCh38, 1-based): chr2:43,872,125, A>T. VCF-style: chr2-43872125-A-T. GRCh37 (hg19) VCF-style: chr2-44099264-A-T.
Other names: c.1114A>T, p.Thr372Ser (NM_001357321.2); short protein forms T372S.
Identifiers: ClinVar variation 2581538 (VCV002581538.3), dbSNP rs147360326, ClinGen allele CA1637282.
Genomic context (GRCh38, chr2:43,872,125, plus strand): 5'-AAAGTGCGTGACTTAGATGACTTTCTATGGAAAGCAGAGACGAAGGATCTTGACGAGGAC[A>T]CCTGTGTGGAAAGGTAAGGTGGCAGGCGACTCTGAGAGGAGAGCTCCCTGCAGAAGGTGG-3'
Protein context (NP_071882.1, residues 362-382): KAETKDLDED[Thr372Ser]CVESSVTPLD